The following is an entry in ClinVar:

NM_005751.5(AKAP9):c.3751+6A>T

Gene: AKAP9 (A-kinase anchoring protein 9; plus strand). Cytogenetic location: 7q21.2.
Variant type: single nucleotide variant.
Coding change: c.3751+6A>T on transcript NM_005751.5 (MANE Select); 6 bases into the intron after coding-DNA position 3751, A replaced by T.
Molecular consequence: intron variant.
Genome position (GRCh38, 1-based): chr7:92,016,273, A>T. VCF-style: chr7-92016273-A-T. GRCh37 (hg19) VCF-style: chr7-91645587-A-T.
Other names: c.3751+6A>T (NM_147185.3).
Identifiers: ClinVar variation 2747534 (VCV002747534.3), dbSNP rs2484731574, ClinGen allele CA2697557389.

ClinVar aggregate classification (germline): Uncertain significance (1 of 4 stars; one submission).

Conditions:
Long QT syndrome (LQTS). Identifiers: MedGen C0023976, MeSH D008133, MONDO:0002442. Disease mechanism: loss of function. Inheritance: Various modes of inheritance.

Submission:

Labcorp Genetics (formerly Invitae), Labcorp
Classification: Uncertain significance for Long QT syndrome. Last evaluated: 2023-07-28. Review status: criteria provided, single submitter. Criteria: Invitae Variant Classification Sherloc (09022015). Collection method: clinical testing. Allele origin: germline.
Comment: This variant has not been reported in the literature in individuals affected with AKAP9-related conditions. Variants that disrupt the consensus splice site are a relatively common cause of aberrant splicing (PMID: 17576681, 9536098). Algorithms developed to predict the effect of sequence changes on RNA splicing suggest that this variant is not likely to affect RNA splicing. In summary, the available evidence is currently insufficient to determine the role of this variant in disease. Therefore, it has been classified as a Variant of Uncertain Significance. This variant is not present in population databases (gnomAD no frequency). This sequence change falls in intron 11 of the AKAP9 gene. It does not directly change the encoded amino acid sequence of the AKAP9 protein. It affects a nucleotide within the consensus splice site.

Literature cited by the submitters: PubMed 17576681; PubMed 9536098.